The following is an entry in ClinVar:

ClinVar aggregate classification (germline): Uncertain significance (1 of 4 stars; one submission).

Submission:

GeneDx
Classification: Uncertain significance. Last evaluated: 2025-08-19. Review status: criteria provided, single submitter. Criteria: GeneDx Variant Classification Process June 2021. Collection method: clinical testing. Allele origin: germline. Affected: yes.
Comment: Not observed at significant frequency in large population cohorts (gnomAD); In silico analysis supports that this missense variant does not alter protein structure/function; Has not been previously published as pathogenic or benign to our knowledge

NM_031407.7(HUWE1):c.8438G>A (p.Arg2813Lys)

Gene: HUWE1 (HECT, UBA and WWE domain containing E3 ubiquitin protein ligase 1; minus strand). Cytogenetic location: Xp11.22.
Variant type: single nucleotide variant.
Coding change: c.8438G>A on transcript NM_031407.7 (MANE Select); coding-DNA position 8438, G replaced by A.
Protein change: p.Arg2813Lys; replaces arginine 2813 with lysine.
Molecular consequence: missense variant.
Genome position (GRCh38, 1-based): chrX:53,554,689, C>T on the plus strand (G>A on the coding strand, the complement: HUWE1 is on the minus strand). VCF-style: chrX-53554689-C-T. GRCh37 (hg19) VCF-style: chrX-53581650-C-T.
Other names: short protein forms R2813K.
Identifiers: ClinVar variation 3371749 (VCV003371749.2).